The following is an entry in ClinVar:

NM_000143.4(FH):c.552C>G (p.Ser184Arg)

Gene: FH (fumarate hydratase; minus strand). Cytogenetic location: 1q43.
Variant type: single nucleotide variant.
Coding change: c.552C>G on transcript NM_000143.4 (MANE Select); coding-DNA position 552, C replaced by G.
Protein change: p.Ser184Arg; replaces serine 184 with arginine.
Molecular consequence: missense variant.
Genome position (GRCh38, 1-based): chr1:241,511,970, G>C on the plus strand (C>G on the coding strand, the complement: FH is on the minus strand). VCF-style: chr1-241511970-G-C. GRCh37 (hg19) VCF-style: chr1-241675270-G-C.
Other names: short protein forms S184R.
Identifiers: ClinVar variation 581643 (VCV000581643.12), dbSNP rs377660762, ClinGen allele CA345439829.

ClinVar aggregate classification (germline): Uncertain significance. Review status: criteria provided, multiple submitters, no conflicts (2 of 4 stars). 2 submissions from 2 submitters: Uncertain significance (2). Last evaluated 2025-11-22.

Conditions:
Hereditary cancer-predisposing syndrome. Also called: Neoplastic Syndromes, Hereditary; Hereditary Cancer Syndrome; Tumor predisposition; Hereditary neoplastic syndrome. Identifiers: Orphanet 140162, MedGen C0027672, MeSH D009386, MONDO:0015356.

gnomAD v4.1: 1 of 1,613,698 alleles (0.000062%); highest among the groups gnomAD compares: Non-Finnish European, 0.000085%; no homozygotes.

Submissions (2):

Ambry Genetics
Classification: Uncertain significance for Hereditary cancer-predisposing syndrome. Last evaluated: 2025-11-22. Review status: criteria provided, single submitter. Criteria: Ambry Variant Classification Scheme 2023. Collection method: clinical testing. Allele origin: germline.
Comment: The p.S184R variant (also known as c.552C>G), located in coding exon 4 of the FH gene, results from a C to G substitution at nucleotide position 552. The serine at codon 184 is replaced by arginine, an amino acid with dissimilar properties. This amino acid position is conserved. In addition, this alteration is predicted to be deleterious by in silico analysis. Based on the available evidence, the clinical significance of this variant remains unclear.

Labcorp Genetics (formerly Invitae), Labcorp
Classification: Uncertain significance. Last evaluated: 2024-05-20. Review status: criteria provided, single submitter. Criteria: Invitae Variant Classification Sherloc (09022015). Collection method: clinical testing. Allele origin: germline.
Comment: This sequence change replaces serine, which is neutral and polar, with arginine, which is basic and polar, at codon 184 of the FH protein (p.Ser184Arg). This variant is not present in population databases (gnomAD no frequency). This variant has not been reported in the literature in individuals affected with FH-related conditions. ClinVar contains an entry for this variant (Variation ID: 581643). Advanced modeling of protein sequence and biophysical properties (such as structural, functional, and spatial information, amino acid conservation, physicochemical variation, residue mobility, and thermodynamic stability) performed at Invitae indicates that this missense variant is expected to disrupt FH protein function with a positive predictive value of 95%. In summary, the available evidence is currently insufficient to determine the role of this variant in disease. Therefore, it has been classified as a Variant of Uncertain Significance.